The following is an entry in ClinVar:

ClinVar aggregate classification (germline): Uncertain significance (1 of 4 stars; one submission).

Conditions:
Dystonic disorder. Also called: Dystonia. Identifiers: MedGen C0013421, MONDO:0003441, HP:0001332.

Allele frequency attached by ClinVar (database versions not stated): TOPMed 0.00002; gnomAD exomes 0.00004 and 0.00006; ExAC 0.00005; gnomAD 0.00006; ESP Exome Variant Server 0.00008; 1000 Genomes Project 0.00040; 1000 Genomes Project 30x 0.00062.
gnomAD v4.1: 65 of 1,614,032 alleles (0.004%); highest among the groups gnomAD compares: East Asian, 0.033%; no homozygotes.

Submission:

Labcorp Genetics (formerly Invitae), Labcorp
Classification: Uncertain significance for Dystonic disorder. Last evaluated: 2020-07-17. Review status: criteria provided, single submitter. Criteria: Invitae Variant Classification Sherloc (09022015). Collection method: clinical testing. Allele origin: germline.
Comment: This variant has been observed in individual(s) with clinical features of dystonia (PMID: 25778706, Invitae). Algorithms developed to predict the effect of missense changes on protein structure and function output the following: SIFT: "Tolerated"; PolyPhen-2: "Benign"; Align-GVGD: "Class C0". The leucine amino acid residue is found in multiple mammalian species, suggesting that this missense change does not adversely affect protein function. These predictions have not been confirmed by published functional studies and their clinical significance is uncertain. This variant is present in population databases (rs200687531, ExAC 0.03%). This sequence change replaces proline with leucine at codon 328 of the CIZ1 protein (p.Pro328Leu). The proline residue is weakly conserved and there is a moderate physicochemical difference between proline and leucine. In summary, the available evidence is currently insufficient to determine the role of this variant in disease. Therefore, it has been classified as a Variant of Uncertain Significance.

Literature cited by the submitters: PubMed 25778706.

NM_001131016.2(CIZ1):c.983C>T (p.Pro328Leu)

Gene: CIZ1 (CDKN1A interacting zinc finger protein 1; minus strand). Cytogenetic location: 9q34.11.
Variant type: single nucleotide variant.
Coding change: c.983C>T on transcript NM_001131016.2 (MANE Select); coding-DNA position 983, C replaced by T.
Protein change: p.Pro328Leu; replaces proline 328 with leucine.
Molecular consequence: missense variant.
Genome position (GRCh38, 1-based): chr9:128,179,224, G>A on the plus strand (C>T on the coding strand, the complement: CIZ1 is on the minus strand). VCF-style: chr9-128179224-G-A. GRCh37 (hg19) VCF-style: chr9-130941503-G-A.
Other names: c.983C>T, p.Pro328Leu (NM_001131015.2, NM_012127.3); c.968C>T, p.Pro323Leu (NM_001131017.2); c.911C>T, p.Pro304Leu (NM_001131018.2); c.1073C>T, p.Pro358Leu (NM_001257975.2); c.680C>T, p.Pro227Leu (NM_001257976.2); short protein forms P227L, P304L, P323L, P328L, P358L.
Identifiers: ClinVar variation 1016995 (VCV001016995.9), dbSNP rs200687531, ClinGen allele CA5257397.